The following is an entry in ClinVar:

ClinVar aggregate classification (germline): Likely pathogenic. Review status: reviewed by expert panel (3 of 4 stars). 4 submissions from 4 submitters: Likely pathogenic (1). 3 of the submissions do not count toward it. Last evaluated 2024-05-23.

Conditions:
Familial thoracic aortic aneurysm and aortic dissection (TAAD). Also called: Thoracic aortic aneurysms and dissections. Identifiers: Orphanet 91387, MedGen C4707243, MONDO:0019625.
Marfan syndrome (MFS). Also called: Marfan syndrome type 1; Marfan syndrome, classic; Marfan's syndrome; FBN1-Related Marfan Syndrome; MARFAN SYNDROME, TYPE I. Identifiers: Orphanet 284963, Orphanet 558, MedGen C0024796, MONDO:0007947, OMIM 154700.

Submissions (4):

ClinGen FBN1 Variant Curation Expert Panel, ClinGen
Classification: Likely pathogenic for Marfan syndrome. Last evaluated: 2024-05-23. Review status: reviewed by expert panel. Criteria: Assertion Criteria VCEP FBN1 Version 1. Collection method: curation. Allele origin: germline. Inheritance: Autosomal dominant inheritance.
Comment: The NM_00138 c.1468G>T is a missense variant in FBN1 predicted to cause a substitution of a aspartic acid by tyrosine at amino acid 490 (p.Asp490Tyr). This variant impacts an aspartic acid within a calcium-binding (cb) (D/N)-X-(D/N)-(E/Q)-Xm-(D/N)-Xn-(Y/F) consensus sequence of a cbEGF-like domain (PM1). This variant has been reported three times in ClinVar: twice as pathogenic and once as uncertain significance (Variation ID: 549019). This variant has also been identified in at least 2 individuals with a clinical diagnosis of MFS as well as in an individual with clinical features of MFS (PMID 11826022, 20886638, Invitae ClinVar entry; PS4_Mod). A different missense variant at this position, c.1468G>C (p.Asp490His), has previously been previously established as (likely) pathogenic and has been found in at least 3 individuals with clinical features of MFS and was found to segregate with disease (PMID 25652356, internal data; PM5), Computational prediction tools and conservation analysis suggest that this variant may impact the protein (REVEL: 0.965, PP3). This variant is located in the last nucleotide of the exon. In silico prediction programs predict that this variant may disrupt RNA splicing (PP3). The constraint z-score for missense variants affecting FBN1 is 5.06 (PP2). In summary, this variant meets criteria to be classified as likely pathogenic for Marfan syndrome based on the ACMG/AMP criteria applied, as specified by the ClinGen FBN1 VCEP: PM1, PM5, PS4_Moderate, PM2_Sup, PP2, PP3, PP4.

Labcorp Genetics (formerly Invitae), Labcorp
Classification: Pathogenic for Marfan syndrome; Familial thoracic aortic aneurysm and aortic dissection. Last evaluated: 2024-01-06. Review status: criteria provided, single submitter. Criteria: Invitae Variant Classification Sherloc (09022015). Collection method: clinical testing. Allele origin: germline. Not counted in ClinVar's aggregate classification.
Comment: This sequence change replaces aspartic acid, which is acidic and polar, with tyrosine, which is neutral and polar, at codon 490 of the FBN1 protein (p.Asp490Tyr). This variant also falls at the last nucleotide of exon 12, which is part of the consensus splice site for this exon. This variant is not present in population databases (gnomAD no frequency). This missense change has been observed in individuals with clinical features of FBN1-related conditions (PMID: 11826022, 20886638, 35058154; Invitae). ClinVar contains an entry for this variant (Variation ID: 549019). An algorithm developed to predict the effect of missense changes on protein structure and function (PolyPhen-2) suggests that this variant is likely to be disruptive. Variants that disrupt the consensus splice site are a relatively common cause of aberrant splicing (PMID: 17576681, 9536098). Algorithms developed to predict the effect of sequence changes on RNA splicing suggest that this variant may disrupt the consensus splice site. For these reasons, this variant has been classified as Pathogenic.

Centre of Medical Genetics, University of Antwerp
Classification: Pathogenic for Marfan syndrome. Last evaluated: 2021-03-01. Review status: criteria provided, single submitter. Criteria: Submitter's publication. Collection method: research. Allele origin: unknown. Affected: yes. Not counted in ClinVar's aggregate classification.
Comment: PM2, PS6, PP4

Center for Medical Genetics Ghent, University of Ghent
Classification: Uncertain significance for Marfan syndrome. Last evaluated: 2017-11-07. Review status: no assertion criteria provided. Collection method: clinical testing. Allele origin: germline. Affected: yes. Not counted in ClinVar's aggregate classification.

Literature cited by the submitters: PubMed 11826022 (cited by Labcorp Genetics (formerly Invitae), Labcorp); PubMed 20886638 (cited by Labcorp Genetics (formerly Invitae), Labcorp); PubMed 35058154 (cited by Labcorp Genetics (formerly Invitae), Labcorp); PubMed 17576681 (cited by Labcorp Genetics (formerly Invitae), Labcorp); PubMed 9536098 (cited by Labcorp Genetics (formerly Invitae), Labcorp).

NM_000138.5(FBN1):c.1468G>T (p.Asp490Tyr)

Gene: FBN1 (fibrillin 1; minus strand). Cytogenetic location: 15q21.1.
Variant type: single nucleotide variant.
Coding change: c.1468G>T on transcript NM_000138.5 (MANE Select); coding-DNA position 1468, G replaced by T.
Protein change: p.Asp490Tyr; replaces aspartic acid 490 with tyrosine.
Molecular consequence: missense variant.
Genome position (GRCh38, 1-based): chr15:48,515,387, C>A on the plus strand (G>T on the coding strand, the complement: FBN1 is on the minus strand). VCF-style: chr15-48515387-C-A. GRCh37 (hg19) VCF-style: chr15-48807584-C-A.
Other names: NM_000138.5(FBN1):c.1468G>T; p.Asp490Tyr; short protein forms D490Y.
Identifiers: ClinVar variation 549019 (VCV000549019.22), dbSNP rs1555400371, ClinGen allele CA392343534.